The following is an entry in ClinVar:

ClinVar aggregate classification (germline): Likely benign (1 of 4 stars; one submission).

Allele frequency attached by ClinVar (database versions not stated): gnomAD exomes below 0.00001.
gnomAD v4.1: 3 of 1,184,790 alleles (0.00025%); highest among the groups gnomAD compares: Middle Eastern, 0.031%; no homozygotes.

Submission:

CeGaT Center for Human Genetics Tuebingen
Classification: Likely benign. Last evaluated: 2023-05-01. Review status: criteria provided, single submitter. Criteria: CeGaT Center For Human Genetics Tuebingen Variant Classification Criteria Version 2. Collection method: clinical testing. Allele origin: germline. Affected: yes. Observed: 1 variant allele.
Comment: ARHGAP6: BP4, BS2

NM_013427.3(ARHGAP6):c.2902G>A (p.Ala968Thr)

Gene: ARHGAP6 (Rho GTPase activating protein 6; minus strand). Cytogenetic location: Xp22.2.
Variant type: single nucleotide variant.
Coding change: c.2902G>A on transcript NM_013427.3 (MANE Select); coding-DNA position 2902, G replaced by A.
Protein change: p.Ala968Thr; replaces alanine 968 with threonine.
Molecular consequence: missense variant. On other transcripts: non-coding transcript variant (1).
Genome position (GRCh38, 1-based): chrX:11,138,886, C>T on the plus strand (G>A on the coding strand, the complement: ARHGAP6 is on the minus strand). VCF-style: chrX-11138886-C-T. GRCh37 (hg19) VCF-style: chrX-11157006-C-T.
Other names: c.2362G>A, p.Ala788Thr (NM_001287242.2); c.2293G>A, p.Ala765Thr (NM_013423.3); short protein forms A765T, A788T, A968T.
Identifiers: ClinVar variation 2659983 (VCV002659983.24), dbSNP rs1329074511, ClinGen allele CA412056590.